The following is an entry in ClinVar:

ClinVar aggregate classification (germline): Likely pathogenic (1 of 4 stars; one submission).

Conditions:
Dilated cardiomyopathy 1G (CMD1G). Identifiers: Orphanet 154, MedGen C1858763, MONDO:0011400, OMIM 604145.
Autosomal recessive limb-girdle muscular dystrophy type 2J (LGMDR10). Also called: Limb-girdle muscular dystrophy, type 2J; MUSCULAR DYSTROPHY, LIMB-GIRDLE, AUTOSOMAL RECESSIVE 10. Identifiers: Orphanet 140922, MedGen C1837342, MONDO:0012127, OMIM 608807.

Allele frequency attached by ClinVar (database versions not stated): gnomAD exomes below 0.00001.
gnomAD v4.1: 1 of 1,613,358 alleles (0.000062%); highest among the groups gnomAD compares: Non-Finnish European, 0.000085%; no homozygotes.

Submission:

Labcorp Genetics (formerly Invitae), Labcorp
Classification: Likely pathogenic for Dilated cardiomyopathy 1G; Autosomal recessive limb-girdle muscular dystrophy type 2J. Last evaluated: 2025-03-31. Review status: criteria provided, single submitter. Criteria: Invitae Variant Classification Sherloc (09022015). Collection method: clinical testing. Allele origin: germline.
Comment: This sequence change creates a premature translational stop signal (p.Ser18978*) in the TTN gene. While this is not anticipated to result in nonsense mediated decay, it is expected to create a truncated TTN protein. This variant is present in population databases (no rsID available, gnomAD 0.0009%). This premature translational stop signal has been observed in individual(s) with dilated cardiomyopathy (PMID: 35653365). ClinVar contains an entry for this variant (Variation ID: 2922358). This variant is located in the A band of TTN (PMID: 25589632). Truncating variants in this region are significantly overrepresented in patients affected with dilated cardiomyopathy (PMID: 25589632). Truncating variants in this region have also been reported in individuals affected with autosomal recessive centronuclear myopathy (PMID: 23975875). In summary, the currently available evidence indicates that the variant is pathogenic, but additional data are needed to prove that conclusively. Therefore, this variant has been classified as Likely Pathogenic.

Literature cited by the submitters: PubMed 35653365; PubMed 25589632; PubMed 23975875.

NM_001267550.2(TTN):c.56933C>G (p.Ser18978Ter)

Genes: TTN-AS1 (TTN antisense RNA 1; plus strand), TTN (titin; minus strand). Cytogenetic location: 2q31.2.
Variant type: single nucleotide variant.
Coding change: c.56933C>G on transcript NM_001267550.2 (MANE Select); coding-DNA position 56933, C replaced by G.
Protein change: p.Ser18978Ter; replaces serine 18978 with a stop codon.
Molecular consequence: nonsense.
Genome position (GRCh38, 1-based): chr2:178,598,777, G>C on the plus strand (C>G on the coding strand, the complement: TTN is on the minus strand). VCF-style: chr2-178598777-G-C. GRCh37 (hg19) VCF-style: chr2-179463504-G-C.
Other names: c.52010C>G, p.Ser17337Ter (NM_001256850.1); c.29738C>G, p.Ser9913Ter (NM_003319.4); c.49229C>G, p.Ser16410Ter (NM_133378.4); c.30113C>G, p.Ser10038Ter (NM_133432.3); c.30314C>G, p.Ser10105Ter (NM_133437.4); short protein forms S10038*, S16410*, S17337*, S18978*, S9913*, S10105*.
Identifiers: ClinVar variation 2922358 (VCV002922358.3), dbSNP rs1338637317, ClinGen allele CA349525329.